The following is an entry in ClinVar:

NM_003086.4(SNAPC4):c.3940C>T (p.Leu1314=)

Gene: SNAPC4 (small nuclear RNA activating complex polypeptide 4; minus strand). Cytogenetic location: 9q34.3.
Variant type: single nucleotide variant.
Coding change: c.3940C>T on transcript NM_003086.4 (MANE Select); coding-DNA position 3940, C replaced by T.
Protein change: p.Leu1314=; no amino-acid change (leucine 1314 retained).
Molecular consequence: synonymous variant.
Genome position (GRCh38, 1-based): chr9:136,377,887, G>A on the plus strand (C>T on the coding strand, the complement: SNAPC4 is on the minus strand). VCF-style: chr9-136377887-G-A. GRCh37 (hg19) VCF-style: chr9-139272339-G-A.
Other names: c.3940C>T, p.Leu1314= (NM_001394201.1); c.3856C>T, p.Leu1286= (NM_001394202.1, NM_001394203.1).
Identifiers: ClinVar variation 2659732 (VCV002659732.24), dbSNP rs144874677, ClinGen allele CA5333501.

ClinVar aggregate classification (germline): Likely benign (1 of 4 stars; one submission).

Allele frequency attached by ClinVar (database versions not stated): 1000 Genomes Project 30x 0.00016; 1000 Genomes Project 0.00020; ESP Exome Variant Server 0.00031; TOPMed 0.00069; gnomAD 0.00091.
gnomAD v4.1: 1,451 of 1,611,472 alleles (0.09%); highest among the groups gnomAD compares: Non-Finnish European, 0.12%; 2 homozygotes.

Submission:

CeGaT Center for Human Genetics Tuebingen
Classification: Likely benign. Last evaluated: 2026-09-01. Review status: criteria provided, single submitter. Criteria: CeGaT Center For Human Genetics Tuebingen Variant Classification Criteria Version 2. Collection method: clinical testing. Allele origin: germline. Affected: yes. Observed: 9 variant alleles.
Comment: SNAPC4: BP4, BP7